The following is an entry in ClinVar:

ClinVar aggregate classification (germline): Uncertain significance. Review status: criteria provided, multiple submitters, no conflicts (2 of 4 stars). 3 submissions from 3 submitters: Uncertain significance (3). Last evaluated 2026-05-08.

Conditions:
FOXC1-related disorder. Also called: FOXC1-related condition.
Axenfeld-Rieger syndrome type 3 (RIEG3). Also called: AXENFELD-RIEGER ANOMALY WITH CARDIAC DEFECTS AND/OR SENSORINEURAL HEARING LOSS. Identifiers: Orphanet 782, MedGen C2678503, MONDO:0011233, OMIM 602482.
Anterior segment dysgenesis 3 (ASGD3). Also called: Glaucoma iridogoniodysplasia, familial; IRIDOGONIODYSGENESIS ANOMALY, AUTOSOMAL DOMINANT. Identifiers: Orphanet 91483, MedGen C5975707, MONDO:0024456, OMIM 601631.

Allele frequency attached by ClinVar (database versions not stated): TOPMed below 0.00001; gnomAD 0.00005.

Submissions (3):

PreventionGenetics, part of Exact Sciences
Classification: Uncertain significance for FOXC1-related condition. Last evaluated: 2026-05-08. Review status: criteria provided, single submitter. Criteria: ACMG Guidelines, 2015. Collection method: clinical testing. Allele origin: germline.
Comment: The FOXC1 c.559G>A variant is predicted to result in the amino acid substitution p.Asp187Asn. This variant has been reported in an individual with atrial septal defect (Table S1, Chen et al. 2024. PubMed ID: 38924312). An in vitro experimental study using a dual-luciferase reporter assay in HeLa cells suggests this variant increases transcriptional activity of the TBX1 promoter (Chen et al. 2024. PubMed ID: 38924312). This variant is reported in 0.036% of alleles in individuals of South Asian descent in gnomAD. At this time, the clinical significance of this variant is uncertain due to the absence of conclusive functional and genetic evidence.

Labcorp Genetics (formerly Invitae), Labcorp
Classification: Uncertain significance for Axenfeld-Rieger syndrome type 3. Last evaluated: 2025-09-10. Review status: criteria provided, single submitter. Criteria: Invitae Variant Classification Sherloc (09022015). Collection method: clinical testing. Allele origin: germline.
Comment: This sequence change replaces aspartic acid, which is acidic and polar, with asparagine, which is neutral and polar, at codon 187 of the FOXC1 protein (p.Asp187Asn). This variant is present in population databases (rs772018744, gnomAD 0.03%), and has an allele count higher than expected for a pathogenic variant. This variant has not been reported in the literature in individuals affected with FOXC1-related conditions. ClinVar contains an entry for this variant (Variation ID: 2070469). An algorithm developed to predict the effect of missense changes on protein structure and function (PolyPhen-2) suggests that this variant is likely to be tolerated. In summary, the available evidence is currently insufficient to determine the role of this variant in disease. Therefore, it has been classified as a Variant of Uncertain Significance.

Department of Pathology and Laboratory Medicine, Sinai Health System
Classification: Uncertain significance for Anterior segment dysgenesis 3; Axenfeld-Rieger syndrome type 3. Last evaluated: 2021-07-30. Review status: criteria provided, single submitter. Criteria: ACMG Guidelines, 2015. Collection method: research. Allele origin: germline.

NM_001453.3(FOXC1):c.559G>A (p.Asp187Asn)

Gene: FOXC1 (forkhead box C1; plus strand). Cytogenetic location: 6p25.3.
Variant type: single nucleotide variant.
Coding change: c.559G>A on transcript NM_001453.3 (MANE Select); coding-DNA position 559, G replaced by A.
Protein change: p.Asp187Asn; replaces aspartic acid 187 with asparagine.
Molecular consequence: missense variant.
Genome position (GRCh38, 1-based): chr6:1,611,004, G>A. VCF-style: chr6-1611004-G-A. GRCh37 (hg19) VCF-style: chr6-1611239-G-A.
Other names: c.559G>A (NM_001453.2); short protein forms D187N.
Identifiers: ClinVar variation 2070469 (VCV002070469.6), dbSNP rs772018744, ClinGen allele CA3614779.